The following is an entry in ClinVar:

ClinVar aggregate classification (germline): Pathogenic/Likely pathogenic. Review status: criteria provided, multiple submitters, no conflicts (2 of 4 stars). 2 submissions from 2 submitters: Pathogenic (1); Likely pathogenic (1). Last evaluated 2024-01-13.

Conditions:
Neuropathy, hereditary sensory and autonomic, type 2A (HSAN2A). Also called: HSAN IIA; ACROOSTEOLYSIS, GIACCAI TYPE; ACROOSTEOLYSIS, NEUROGENIC; MORVAN DISEASE; NEUROPATHY, CONGENITAL SENSORY; NEUROPATHY, HEREDITARY SENSORY RADICULAR, AUTOSOMAL RECESSIVE. Identifiers: Orphanet 970, MedGen C2752089, MONDO:0024309, OMIM 201300.
Generalized epilepsy with febrile seizures plus, type 7 (GEFSP7). Also called: GEFS+, TYPE 7. Identifiers: Orphanet 36387, MedGen C2751778, MONDO:0013470, OMIM 613863.

Allele frequency attached by ClinVar (database versions not stated): gnomAD exomes below 0.00001; TOPMed below 0.00001.
gnomAD v4.1: 2 of 1,610,830 alleles (0.00012%); highest among the groups gnomAD compares: Non-Finnish European, 0.00017%; no homozygotes.

Submissions (2):

Labcorp Genetics (formerly Invitae), Labcorp
Classification: Pathogenic for Neuropathy, hereditary sensory and autonomic, type 2A; Generalized epilepsy with febrile seizures plus, type 7. Last evaluated: 2024-01-13. Review status: criteria provided, single submitter. Criteria: Invitae Variant Classification Sherloc (09022015). Collection method: clinical testing. Allele origin: germline.
Comment: This sequence change creates a premature translational stop signal (p.Trp1249*) in the SCN9A gene. It is expected to result in an absent or disrupted protein product. Loss-of-function variants in SCN9A are known to be pathogenic (PMID: 17470132, 19304393). This variant is not present in population databases (gnomAD no frequency). This variant has not been reported in the literature in individuals affected with SCN9A-related conditions. ClinVar contains an entry for this variant (Variation ID: 846537). Algorithms developed to predict the effect of sequence changes on RNA splicing suggest that this variant may disrupt the consensus splice site. For these reasons, this variant has been classified as Pathogenic.

Mayo Clinic Laboratories, Mayo Clinic
Classification: Likely pathogenic. Last evaluated: 2023-11-10. Review status: criteria provided, single submitter. Criteria: ACMG Guidelines, 2015. Collection method: clinical testing. Allele origin: germline. Observed: 1 variant allele.
Comment: PM2_moderate, PVS1

Literature cited by the submitters: PubMed 17470132 (cited by Labcorp Genetics (formerly Invitae), Labcorp); PubMed 19304393 (cited by Labcorp Genetics (formerly Invitae), Labcorp); PubMed 33487118 (cited by Mayo Clinic Laboratories, Mayo Clinic).

NM_001365536.1(SCN9A):c.3780G>A (p.Trp1260Ter)

Genes: SCN1A-AS1 (SCN1A and SCN9A antisense RNA 1; plus strand), SCN9A (sodium voltage-gated channel alpha subunit 9; minus strand). Cytogenetic location: 2q24.3.
Variant type: single nucleotide variant.
Coding change: c.3780G>A on transcript NM_001365536.1 (MANE Select); coding-DNA position 3780, G replaced by A.
Protein change: p.Trp1260Ter; replaces tryptophan 1260 with a stop codon.
Molecular consequence: nonsense.
Genome position (GRCh38, 1-based): chr2:166,238,115, C>T on the plus strand (G>A on the coding strand, the complement: SCN9A is on the minus strand). VCF-style: chr2-166238115-C-T. GRCh37 (hg19) VCF-style: chr2-167094625-C-T.
Other names: p.Trp1249*; c.3747G>A, p.Trp1249Ter (NM_002977.4); short protein forms W1249*, W1260*.
Identifiers: ClinVar variation 846537 (VCV000846537.9), dbSNP rs1553481071, ClinGen allele CA349068443.
Genomic context (GRCh38, chr2:166,238,115, plus strand): 5'-GAATAAATCCTCTTTTAAAATGTACTCAAAAGTACCTACATCAACAATTAGGAAATCCAG[C>T]CAACACCAGGCATTGGTGAAATATGTTTTATAACCATATGCTATCCATTTTAGAAGCATT-3'